The following is an entry in ClinVar:

ClinVar aggregate classification (germline): Uncertain significance (1 of 4 stars; one submission).

Conditions:
Tuberous sclerosis 2 (TSC2). Identifiers: Orphanet 805, MedGen C1860707, MONDO:0013199, OMIM 613254.

Submission:

Labcorp Genetics (formerly Invitae), Labcorp
Classification: Uncertain significance for Tuberous sclerosis 2. Last evaluated: 2025-03-30. Review status: criteria provided, single submitter. Criteria: Invitae Variant Classification Sherloc (09022015). Collection method: clinical testing. Allele origin: germline.
Comment: This sequence change replaces cysteine, which is neutral and slightly polar, with phenylalanine, which is neutral and non-polar, at codon 227 of the TSC2 protein (p.Cys227Phe). This variant is not present in population databases (gnomAD no frequency). This variant has not been reported in the literature in individuals affected with TSC2-related conditions. Invitae Evidence Modeling of protein sequence and biophysical properties (such as structural, functional, and spatial information, amino acid conservation, physicochemical variation, residue mobility, and thermodynamic stability) indicates that this missense variant is not expected to disrupt TSC2 protein function with a negative predictive value of 95%. In summary, the available evidence is currently insufficient to determine the role of this variant in disease. Therefore, it has been classified as a Variant of Uncertain Significance.

NM_000548.5(TSC2):c.680G>T (p.Cys227Phe)

Gene: TSC2 (TSC complex subunit 2; plus strand). Cytogenetic location: 16p13.3.
Variant type: single nucleotide variant.
Coding change: c.680G>T on transcript NM_000548.5 (MANE Select); coding-DNA position 680, G replaced by T.
Protein change: p.Cys227Phe; replaces cysteine 227 with phenylalanine.
Molecular consequence: missense variant. On other transcripts: 5 prime UTR variant (10), non-coding transcript variant (5).
Genome position (GRCh38, 1-based): chr16:2,056,675, G>T. VCF-style: chr16-2056675-G-T. GRCh37 (hg19) VCF-style: chr16-2106676-G-T.
Other names: c.680G>T, p.Cys227Phe (NM_001077183.3, NM_001114382.3, NM_001363528.2 and 6 more transcripts); c.569G>T, p.Cys190Phe (NM_001318827.2, NM_001406670.1, NM_001406678.1); c.533G>T, p.Cys178Phe (NM_001318829.2, NM_001406675.1, NM_001406676.1 and 1 more transcripts); c.80G>T, p.Cys27Phe (NM_001318831.2, NM_001406683.1, NM_001406684.1 and 6 more transcripts); c.713G>T, p.Cys238Phe (NM_001318832.2); c.770G>T, p.Cys257Phe (NM_001406667.1, NM_001406668.1); c.-752G>T (NM_001406689.1, NM_001406690.1, NM_001406691.1 and 4 more transcripts); c.668G>T, p.Cys223Phe (NM_001406671.1, NM_001406673.1); and 4 more; short protein forms C178F, C190F, C208F, C223F, C227F, C238F, C257F, C27F.
Identifiers: ClinVar variation 4802835 (VCV004802835.1).